The following is an entry in ClinVar:

Conditions:
Arteriohepatic dysplasia. Also called: Alagille Syndrome. Identifiers: Orphanet 52, MedGen C0085280, MeSH D016738, MONDO:0007318.

Submission:

Gilbert/Spinner Lab, Children's Hospital of Philadelphia
No classification provided (evidence only). Condition: Alagille syndrome. Review status: no classification provided. Collection method: research. Allele origin: not applicable. Functional consequence: functionally_abnormal.
ClinVar note: "not provided" was previously submitted as the classification for the variant. However, the classification appeared to be based only on an observation of functional data so it was converted to no classification on 2025-07-30.

NM_000214.3(JAG1):c.411G>A (p.Glu137=)

Gene: JAG1 (jagged canonical Notch ligand 1; minus strand). Cytogenetic location: 20p12.2.
Variant type: single nucleotide variant.
Coding change: c.411G>A on transcript NM_000214.3 (MANE Select); coding-DNA position 411, G replaced by A.
Protein change: p.Glu137=; no amino-acid change (glutamic acid 137 retained).
Molecular consequence: synonymous variant.
Genome position (GRCh38, 1-based): chr20:10,663,991, C>T on the plus strand (G>A on the coding strand, the complement: JAG1 is on the minus strand). VCF-style: chr20-10663991-C-T. GRCh37 (hg19) VCF-style: chr20-10644639-C-T.
Identifiers: ClinVar variation 3573303 (VCV003573303.2).